The following is an entry in ClinVar:

ClinVar aggregate classification (germline): Benign. Review status: criteria provided, single submitter (1 of 4 stars). 2 submissions from 2 submitters: Benign (1). 1 of the submissions does not count toward it. Last evaluated 2022-09-01.

Conditions:
PNPLA4-related disorder. Also called: PNPLA4-related condition.

Allele frequency attached by ClinVar (database versions not stated): TOPMed 0.00001; gnomAD 0.00002; gnomAD exomes 0.00007; ExAC 0.00024; 1000 Genomes Project 30x 0.00042; 1000 Genomes Project 0.00053.
gnomAD v4.1: 83 of 1,209,751 alleles (0.0069%); highest among the groups gnomAD compares: South Asian, 0.14%; no homozygotes.

Submissions (2):

CeGaT Center for Human Genetics Tuebingen
Classification: Benign. Last evaluated: 2022-09-01. Review status: criteria provided, single submitter. Criteria: CeGaT Center For Human Genetics Tuebingen Variant Classification Criteria Version 2. Collection method: clinical testing. Allele origin: germline. Affected: yes. Observed: 1 variant allele.
Comment: PNPLA4: PP3, BS1, BS2

PreventionGenetics, part of Exact Sciences
Classification: Likely benign for PNPLA4-related condition. Last evaluated: 2022-08-24. Review status: no assertion criteria provided. Collection method: clinical testing. Allele origin: germline. Not counted in ClinVar's aggregate classification.
Comment: This variant is classified as likely benign based on ACMG/AMP sequence variant interpretation guidelines (Richards et al. 2015 PMID: 25741868, with internal and published modifications).

NM_004650.3(PNPLA4):c.44G>A (p.Gly15Asp)

Genes: PNPLA4 (patatin like domain 4, phospholipase and triacylglycerol lipase; minus strand), LOC125446266 (Sharpr-MPRA regulatory region 9499; plus strand). Cytogenetic location: Xp22.31.
Variant type: single nucleotide variant.
Coding change: c.44G>A on transcript NM_004650.3 (MANE Select); coding-DNA position 44, G replaced by A.
Protein change: p.Gly15Asp; replaces glycine 15 with aspartic acid.
Molecular consequence: missense variant. On other transcripts: intron variant (1).
Genome position (GRCh38, 1-based): chrX:7,926,076, C>T on the plus strand (G>A on the coding strand, the complement: PNPLA4 is on the minus strand). VCF-style: chrX-7926076-C-T. GRCh37 (hg19) VCF-style: chrX-7894117-C-T.
Other names: c.44G>A, p.Gly15Asp (NM_001142389.2); c.-82+1610G>A (NM_001172672.2); c.44G>A (NM_004650.2); short protein forms G15D.
Identifiers: ClinVar variation 2659923 (VCV002659923.25), dbSNP rs764962946, ClinGen allele CA10342880.